The following is an entry in ClinVar:

NM_000377.3(WAS):c.451_452del (p.Arg151fs)

Gene: WAS (WASP actin nucleation promoting factor; plus strand). Cytogenetic location: Xp11.23.
Variant type: Microsatellite.
Coding change: c.451_452del on transcript NM_000377.3 (MANE Select); coding-DNA positions 451 to 452, 2 bases deleted (AG; older notation c.451_452delAG).
Protein change: p.Arg151fs; shifts the reading frame from arginine 151.
Molecular consequence: frameshift variant.
Genome position (GRCh38, 1-based): chrX:48,685,824-48,685,825, AG deleted; deleting any 2 consecutive bases within chrX:48,685,822-48,685,825 gives the same sequence; the c. name uses the placement nearest the transcript's 3' end. VCF-style (leftmost placement, unchanged base first): chrX-48685821-CAG-C. GRCh37 (hg19) VCF-style: chrX-48544210-CAG-C.
Other names: short protein forms R151fs.
Identifiers: ClinVar variation 2925669 (VCV002925669.3), dbSNP rs2519281015, ClinGen allele CA2695234003.
Genomic context (GRCh38, chrX:48,685,821, plus strand): 5'-GACGAGGACGAGGCCCAGGCCTTCCGGGCCCTCGTGCAGGAGAAGATACAAAAAAGGAAT[CAG>C]AGGCAAAGTGGAGGTGAGGAGGCCACAGGGGAGGAAAGGAAGTTGGGCAGAGGTGAGTGC-3'

ClinVar aggregate classification (germline): Pathogenic (1 of 4 stars; one submission).

Conditions:
Thrombocytopenia 1. Also called: X-Linked Thrombocytopenia (XLT); THROMBOCYTOPENIA, X-LINKED, 1; X-linked thrombocytopenia with normal platelets. Identifiers: Orphanet 268322, Orphanet 852, MedGen C1839163, MONDO:0010743, OMIM 313900.
X-linked severe congenital neutropenia (SCNX). Identifiers: Orphanet 86788, MedGen C1845987, MONDO:0010294, OMIM 300299.
Wiskott-Aldrich syndrome (WAS). Also called: WISKOTT-ALDRICH SYNDROME 1; ALDRICH SYNDROME; IMMUNODEFICIENCY 2; Wiskott-aldrich syndrome, somatic. Identifiers: Orphanet 906, MedGen C0043194, MONDO:0010518, OMIM 301000.

Submission:

Labcorp Genetics (formerly Invitae), Labcorp
Classification: Pathogenic for Wiskott-Aldrich syndrome; X-linked severe congenital neutropenia; Thrombocytopenia 1. Last evaluated: 2023-11-27. Review status: criteria provided, single submitter. Criteria: Invitae Variant Classification Sherloc (09022015). Collection method: clinical testing. Allele origin: germline.
Comment: This sequence change creates a premature translational stop signal (p.Arg151Alafs*17) in the WAS gene. It is expected to result in an absent or disrupted protein product. Loss-of-function variants in WAS are known to be pathogenic (PMID: 15284122). This variant is not present in population databases (gnomAD no frequency). This premature translational stop signal has been observed in individual(s) with clinical features of WAS-related conditions (PMID: 15284122). Studies have shown that this premature translational stop signal alters WAS gene expression (PMID: 15284122). For these reasons, this variant has been classified as Pathogenic.

Literature cited by the submitters: PubMed 15284122.